The following is an entry in ClinVar:

NM_001135649.3(FOXI3):c.823G>A (p.Glu275Lys)

Gene: FOXI3 (forkhead box I3; minus strand). Cytogenetic location: 2p11.2.
Variant type: single nucleotide variant.
Coding change: c.823G>A on transcript NM_001135649.3 (MANE Select); coding-DNA position 823, G replaced by A.
Protein change: p.Glu275Lys; replaces glutamic acid 275 with lysine.
Molecular consequence: missense variant.
Genome position (GRCh38, 1-based): chr2:88,448,647, C>T on the plus strand (G>A on the coding strand, the complement: FOXI3 is on the minus strand). VCF-style: chr2-88448647-C-T. GRCh37 (hg19) VCF-style: chr2-88748166-C-T.
Other names: short protein forms E275K.
Identifiers: ClinVar variation 2994470 (VCV002994470.3), dbSNP rs957418372, ClinGen allele CA51943856.
Genomic context (GRCh38, chr2:88,448,647, plus strand): 5'-TGGTGCCCTCCGGAGGCTCTGGGGAGTGGGAAGGCCTCAGCAGAGTGGAGGGGCTCTCTT[C>T]TTCTGGCTTCCCACCCACTCCAGACCCCAATCCTGAGGAGAGCCCTTCTTCGGACTTTGA-3'
Protein context (NP_001129121.1, residues 265-285): LGSGVGGKPE[Glu275Lys]ESPSTLLRPS

ClinVar aggregate classification (germline): Uncertain significance (1 of 4 stars; one submission).

Allele frequency attached by ClinVar (database versions not stated): TOPMed below 0.00001.

Submission:

Labcorp Genetics (formerly Invitae), Labcorp
Classification: Uncertain significance. Last evaluated: 2023-04-03. Review status: criteria provided, single submitter. Criteria: Invitae Variant Classification Sherloc (09022015). Collection method: clinical testing. Allele origin: germline.
Comment: Experimental studies and prediction algorithms are not available or were not evaluated, and the functional significance of this variant is currently unknown. This sequence change replaces glutamic acid, which is acidic and polar, with lysine, which is basic and polar, at codon 275 of the FOXI3 protein (p.Glu275Lys). This variant is present in population databases (no rsID available, gnomAD 0.004%). This variant has not been reported in the literature in individuals affected with FOXI3-related conditions. In summary, the available evidence is currently insufficient to determine the role of this variant in disease. Therefore, it has been classified as a Variant of Uncertain Significance.